The following is an entry in ClinVar:

ClinVar aggregate classification (germline): Uncertain significance (1 of 4 stars; one submission).

Allele frequency attached by ClinVar (database versions not stated): gnomAD exomes 0.00002; 1000 Genomes Project 30x 0.00016; TOPMed below 0.00001; gnomAD 0.00001 and 0.00002.
gnomAD v4.1: 34 of 1,550,868 alleles (0.0022%); highest among the groups gnomAD compares: Non-Finnish European, 0.0026%; no homozygotes.

Submission:

Labcorp Genetics (formerly Invitae), Labcorp
Classification: Uncertain significance. Last evaluated: 2022-09-13. Review status: criteria provided, single submitter. Criteria: Invitae Variant Classification Sherloc (09022015). Collection method: clinical testing. Allele origin: germline.
Comment: In summary, the available evidence is currently insufficient to determine the role of this variant in disease. Therefore, it has been classified as a Variant of Uncertain Significance. Algorithms developed to predict the effect of missense changes on protein structure and function output the following: SIFT: "Tolerated"; PolyPhen-2: "Benign"; Align-GVGD: "Class C0". The threonine amino acid residue is found in multiple mammalian species, which suggests that this missense change does not adversely affect protein function. ClinVar contains an entry for this variant (Variation ID: 1418166). This variant has not been reported in the literature in individuals affected with OTOG-related conditions. This variant is present in population databases (no rsID available, gnomAD 0.006%). This sequence change replaces alanine, which is neutral and non-polar, with threonine, which is neutral and polar, at codon 450 of the OTOG protein (p.Ala450Thr).

NM_001292063.2(OTOG):c.1312G>A (p.Ala438Thr)

Gene: OTOG (otogelin; plus strand). Cytogenetic location: 11p15.1.
Variant type: single nucleotide variant.
Coding change: c.1312G>A on transcript NM_001292063.2 (MANE Select); coding-DNA position 1312, G replaced by A.
Protein change: p.Ala438Thr; replaces alanine 438 with threonine.
Molecular consequence: missense variant.
Genome position (GRCh38, 1-based): chr11:17,559,632, G>A. VCF-style: chr11-17559632-G-A. GRCh37 (hg19) VCF-style: chr11-17581179-G-A.
Other names: c.1348G>A, p.Ala450Thr (NM_001277269.2); short protein forms A450T, A438T.
Identifiers: ClinVar variation 1418166 (VCV001418166.6), dbSNP rs1290666415, ClinGen allele CA379816780.